The following is an entry in ClinVar:

NM_000918.4(P4HB):c.888C>T (p.Thr296=)

Gene: P4HB (prolyl 4-hydroxylase subunit beta; minus strand). Cytogenetic location: 17q25.3.
Variant type: single nucleotide variant.
Coding change: c.888C>T on transcript NM_000918.4 (MANE Select); coding-DNA position 888, C replaced by T.
Protein change: p.Thr296=; no amino-acid change (threonine 296 retained).
Molecular consequence: synonymous variant.
Genome position (GRCh38, 1-based): chr17:81,846,597, G>A on the plus strand (C>T on the coding strand, the complement: P4HB is on the minus strand). VCF-style: chr17-81846597-G-A. GRCh37 (hg19) VCF-style: chr17-79804473-G-A.
Identifiers: ClinVar variation 1564409 (VCV001564409.12), dbSNP rs374783098, ClinGen allele CA8842794.

ClinVar aggregate classification (germline): Likely benign. Review status: criteria provided, multiple submitters, no conflicts (2 of 4 stars). 2 submissions from 2 submitters: Likely benign (2). Last evaluated 2026-01-01.

Allele frequency attached by ClinVar (database versions not stated): gnomAD 0.00003 and 0.00004; gnomAD exomes 0.00003 and 0.00008; TOPMed 0.00005; ExAC 0.00007; ESP Exome Variant Server 0.00008.
gnomAD v4.1: 52 of 1,613,916 alleles (0.0032%); highest among the groups gnomAD compares: Admixed American, 0.027%; no homozygotes.

Submissions (2):

CeGaT Center for Human Genetics Tuebingen
Classification: Likely benign. Last evaluated: 2026-01-01. Review status: criteria provided, single submitter. Criteria: CeGaT Center For Human Genetics Tuebingen Variant Classification Criteria Version 2. Collection method: clinical testing. Allele origin: germline. Affected: yes. Observed: 1 variant allele.
Comment: P4HB: BP4, BP7

Labcorp Genetics (formerly Invitae), Labcorp
Classification: Likely benign. Last evaluated: 2024-10-11. Review status: criteria provided, single submitter. Criteria: Invitae Variant Classification Sherloc (09022015). Collection method: clinical testing. Allele origin: germline.